The following is an entry in ClinVar:

ClinVar aggregate classification (germline): Uncertain significance. Review status: criteria provided, multiple submitters, no conflicts (2 of 4 stars). 2 submissions from 2 submitters: Uncertain significance (2). Last evaluated 2026-06-26.

Conditions:
REST-related disorder. Also called: REST-related condition.

Submissions (2):

PreventionGenetics, part of Exact Sciences
Classification: Uncertain significance for REST-related condition. Last evaluated: 2026-06-26. Review status: criteria provided, single submitter. Criteria: ACMG Guidelines, 2015. Collection method: clinical testing. Allele origin: germline.
Comment: The REST c.2277_2324del48 variant is predicted to result in an in-frame deletion (p.Lys762_Val777del). To our knowledge, this variant has not been reported in the literature. This variant is reported in 0.046% of alleles in individuals of East Asian descent in gnomAD. Although we suspect that this variant may be benign, at this time, the clinical significance of this variant is uncertain due to the absence of conclusive functional and genetic evidence.

Labcorp Genetics (formerly Invitae), Labcorp
Classification: Uncertain significance. Last evaluated: 2024-11-05. Review status: criteria provided, single submitter. Criteria: Invitae Variant Classification Sherloc (09022015). Collection method: clinical testing. Allele origin: germline.
Comment: This variant, c.2277_2324del, results in the deletion of 16 amino acid(s) of the REST protein (p.Lys762_Val777del), but otherwise preserves the integrity of the reading frame. This variant is present in population databases (rs775068300, gnomAD 0.04%), and has an allele count higher than expected for a pathogenic variant. This variant has not been reported in the literature in individuals affected with REST-related conditions. ClinVar contains an entry for this variant (Variation ID: 962173). Experimental studies and prediction algorithms are not available or were not evaluated, and the functional significance of this variant is currently unknown. In summary, the available evidence is currently insufficient to determine the role of this variant in disease. Therefore, it has been classified as a Variant of Uncertain Significance.

NM_005612.5(REST):c.2277_2324del (p.Lys762_Val777del)

Gene: REST (RE1 silencing transcription factor; plus strand). Cytogenetic location: 4q12.
Variant type: Deletion.
Coding change: c.2277_2324del on transcript NM_005612.5 (MANE Select); coding-DNA positions 2277 to 2324, 48 bases deleted.
Protein change: p.Lys762_Val777del.
Molecular consequence: inframe deletion. On other transcripts: inframe indel (2).
Genome position (GRCh38, 1-based): chr4:56,931,135-56,931,182, 48 bases deleted; deleting any 48 consecutive bases within chr4:56,931,118-56,931,182 gives the same sequence; the c. name uses the placement nearest the transcript's 3' end. GRCh37 (hg19): chr4:57,797,301-57,797,348.
Other names: c.2277_2324del48, p.Lys762_Val777del (NM_001193508.2, NM_001363453.3); c.2277_2324del48 (NM_005612.4).
Identifiers: ClinVar variation 962173 (VCV000962173.10), dbSNP rs775068300, ClinGen allele CA2932444.
Genomic context (GRCh38, chr4:56,931,117, plus strand): 5'-GTCTCCTCCCATGGAGGTGGTCCAGAAGGAGCCTGTTCAGATAGAGCTGTCTCCTCCCAT[GGAGGTGGTCCAGAAGGAACCTGTTAAGATAGAGCTGTCTCCTCCCATA>G]GAGGTGGTCCAGAAGGAGCCTGTTCAGATGGAGTTGTCTCCTCCCATGGGGGTGGTTCAG-3'